The following is an entry in ClinVar:

ClinVar aggregate classification (germline): Uncertain significance. Review status: criteria provided, multiple submitters, no conflicts (2 of 4 stars). 2 submissions from 2 submitters: Uncertain significance (2). Last evaluated 2025-12-01.

Allele frequency attached by ClinVar (database versions not stated): gnomAD 0.00005; ExAC 0.00006; TOPMed 0.00006.
gnomAD v4.1: 125 of 1,547,232 alleles (0.0081%); highest among the groups gnomAD compares: Non-Finnish European, 0.01%; no homozygotes.

Submissions (2):

Labcorp Genetics (formerly Invitae), Labcorp
Classification: Uncertain significance. Last evaluated: 2025-12-01. Review status: criteria provided, single submitter. Criteria: Invitae Variant Classification Sherloc (09022015). Collection method: clinical testing. Allele origin: germline.
Comment: This sequence change replaces glutamic acid, which is acidic and polar, with lysine, which is basic and polar, at codon 391 of the ARHGEF1 protein (p.Glu391Lys). The frequency data for this variant in the population databases is considered unreliable, as metrics indicate poor data quality at this position in the gnomAD database. This variant has not been reported in the literature in individuals affected with ARHGEF1-related conditions. ClinVar contains an entry for this variant (Variation ID: 1487134). An algorithm developed to predict the effect of missense changes on protein structure and function (PolyPhen-2) suggests that this variant is likely to be disruptive. In summary, the available evidence is currently insufficient to determine the role of this variant in disease. Therefore, it has been classified as a Variant of Uncertain Significance.

Ambry Genetics
Classification: Uncertain significance. Last evaluated: 2024-03-05. Review status: criteria provided, single submitter. Criteria: Ambry Variant Classification Scheme 2023. Collection method: clinical testing. Allele origin: germline.

NM_004706.4(ARHGEF1):c.1126G>A (p.Glu376Lys)

Gene: ARHGEF1 (Rho guanine nucleotide exchange factor 1; plus strand). Cytogenetic location: 19q13.2.
Variant type: single nucleotide variant.
Coding change: c.1126G>A on transcript NM_004706.4 (MANE Select); coding-DNA position 1126, G replaced by A.
Protein change: p.Glu376Lys; replaces glutamic acid 376 with lysine.
Molecular consequence: missense variant.
Genome position (GRCh38, 1-based): chr19:41,898,446, G>A. VCF-style: chr19-41898446-G-A. GRCh37 (hg19) VCF-style: chr19-42402595-G-A.
Other names: c.1027G>A, p.Glu343Lys (NM_198977.2); c.1171G>A, p.Glu391Lys (NM_199002.2); c.1171G>A (NM_199002.1); short protein forms E343K, E376K, E391K.
Identifiers: ClinVar variation 1487134 (VCV001487134.9), dbSNP rs781879928, ClinGen allele CA9466302.